The following is an entry in ClinVar:

ClinVar aggregate classification (germline): Uncertain significance (1 of 4 stars; one submission).

Submission:

GeneDx
Classification: Uncertain significance. Last evaluated: 2024-03-18. Review status: criteria provided, single submitter. Criteria: GeneDx Variant Classification Process June 2021. Collection method: clinical testing. Allele origin: germline. Affected: yes.
Comment: Not observed at significant frequency in large population cohorts (gnomAD); In silico analysis supports that this missense variant has a deleterious effect on protein structure/function; Has not been previously published as pathogenic or benign to our knowledge

NM_182931.3(KMT2E):c.1580A>T (p.Gln527Leu)

Gene: KMT2E (lysine methyltransferase 2E (inactive); plus strand). Cytogenetic location: 7q22.3.
Variant type: single nucleotide variant.
Coding change: c.1580A>T on transcript NM_182931.3 (MANE Select); coding-DNA position 1580, A replaced by T.
Protein change: p.Gln527Leu; replaces glutamine 527 with leucine.
Molecular consequence: missense variant.
Genome position (GRCh38, 1-based): chr7:105,090,230, A>T. VCF-style: chr7-105090230-A-T. GRCh37 (hg19) VCF-style: chr7-104730677-A-T.
Other names: c.1580A>T, p.Gln527Leu (NM_001410908.1, NM_018682.4); short protein forms Q527L.
Identifiers: ClinVar variation 3370647 (VCV003370647.1).